The following is an entry in ClinVar:

NM_024675.4(PALB2):c.494G>C (p.Gly165Ala)

Gene: PALB2 (partner and localizer of BRCA2; minus strand). Cytogenetic location: 16p12.2.
Variant type: single nucleotide variant.
Coding change: c.494G>C on transcript NM_024675.4 (MANE Select); coding-DNA position 494, G replaced by C.
Protein change: p.Gly165Ala; replaces glycine 165 with alanine.
Molecular consequence: missense variant. On other transcripts: 5 prime UTR variant (8), intron variant (3).
Genome position (GRCh38, 1-based): chr16:23,636,052, C>G on the plus strand (G>C on the coding strand, the complement: PALB2 is on the minus strand). VCF-style: chr16-23636052-C-G. GRCh37 (hg19) VCF-style: chr16-23647373-C-G.
Other names: c.-392G>C (NM_001407305.1, NM_001407306.1, NM_001407307.1 and 5 more transcripts); c.48+5058G>C (NM_001407314.1); c.-105+5058G>C (NM_001407313.1, NM_001407312.1); c.434G>C, p.Gly145Ala (NM_001407296.1); c.494G>C, p.Gly165Ala (NM_001407297.1, NM_001407298.1, NM_001407299.1 and 3 more transcripts); short protein forms G145A, G165A.
Identifiers: ClinVar variation 3304001 (VCV003304001.3).

ClinVar aggregate classification (germline): Uncertain significance. Review status: criteria provided, multiple submitters, no conflicts (2 of 4 stars). 2 submissions from 2 submitters: Uncertain significance (2). Last evaluated 2024-05-02.

Conditions:
Hereditary cancer-predisposing syndrome. Also called: Tumor predisposition; Hereditary Cancer Syndrome; Hereditary neoplastic syndrome; Neoplastic Syndromes, Hereditary. Identifiers: Orphanet 140162, MedGen C0027672, MeSH D009386, MONDO:0015356.
Familial cancer of breast. Also called: BREAST CANCER, FAMILIAL; Hereditary breast cancer; hereditary breast carcinoma. Identifiers: Orphanet 227535, MedGen C0346153, MONDO:0016419, OMIM 114480. Disease mechanism: loss of function.

Submissions (2):

Ambry Genetics
Classification: Uncertain significance for Hereditary cancer-predisposing syndrome. Last evaluated: 2024-05-02. Review status: criteria provided, single submitter. Criteria: Ambry Variant Classification Scheme 2023. Collection method: clinical testing. Allele origin: germline.
Comment: The p.G165A variant (also known as c.494G>C), located in coding exon 4 of the PALB2 gene, results from a G to C substitution at nucleotide position 494. The glycine at codon 165 is replaced by alanine, an amino acid with similar properties. This amino acid position is conserved. In addition, this alteration is predicted to be tolerated by in silico analysis. Based on the available evidence, the clinical significance of this variant remains unclear.

Labcorp Genetics (formerly Invitae), Labcorp
Classification: Uncertain significance for Familial cancer of breast. Last evaluated: 2024-01-25. Review status: criteria provided, single submitter. Criteria: Invitae Variant Classification Sherloc (09022015). Collection method: clinical testing. Allele origin: germline.
Comment: This sequence change replaces glycine, which is neutral and non-polar, with alanine, which is neutral and non-polar, at codon 165 of the PALB2 protein (p.Gly165Ala). This variant is not present in population databases (gnomAD no frequency). This variant has not been reported in the literature in individuals affected with PALB2-related conditions. An algorithm developed to predict the effect of missense changes on protein structure and function (PolyPhen-2) suggests that this variant is likely to be tolerated. In summary, the available evidence is currently insufficient to determine the role of this variant in disease. Therefore, it has been classified as a Variant of Uncertain Significance.